The following is an entry in ClinVar:

NM_001256447.2(BCAP31):c.292C>T (p.Arg98Cys)

Gene: BCAP31 (B cell receptor associated protein 31; minus strand). Cytogenetic location: Xq28.
Variant type: single nucleotide variant.
Coding change: c.292C>T on transcript NM_001256447.2 (MANE Select); coding-DNA position 292, C replaced by T.
Protein change: p.Arg98Cys; replaces arginine 98 with cysteine.
Molecular consequence: missense variant.
Genome position (GRCh38, 1-based): chrX:153,715,591, G>A on the plus strand (C>T on the coding strand, the complement: BCAP31 is on the minus strand). VCF-style: chrX-153715591-G-A. GRCh37 (hg19) VCF-style: chrX-152981046-G-A.
Other names: c.292C>T, p.Arg98Cys (NM_001139441.1, NM_005745.8); c.493C>T, p.Arg165Cys (NM_001139457.2); short protein forms R98C, R165C.
Identifiers: ClinVar variation 1375176 (VCV001375176.6), dbSNP rs2091621351, ClinGen allele CA415094345.

ClinVar aggregate classification (germline): Uncertain significance (1 of 4 stars; one submission).

gnomAD v4.1: 3 of 1,211,453 alleles (0.00025%); highest among the groups gnomAD compares: Non-Finnish European, 0.00034%; no homozygotes.

Submission:

Labcorp Genetics (formerly Invitae), Labcorp
Classification: Uncertain significance. Last evaluated: 2021-12-02. Review status: criteria provided, single submitter. Criteria: Invitae Variant Classification Sherloc (09022015). Collection method: clinical testing. Allele origin: germline.
Comment: In summary, the available evidence is currently insufficient to determine the role of this variant in disease. Therefore, it has been classified as a Variant of Uncertain Significance. Algorithms developed to predict the effect of missense changes on protein structure and function are either unavailable or do not agree on the potential impact of this missense change (SIFT: "Deleterious"; PolyPhen-2: "Probably Damaging"; Align-GVGD: "Class C0"). This variant has not been reported in the literature in individuals affected with BCAP31-related conditions. This variant is not present in population databases (gnomAD no frequency). This sequence change replaces arginine, which is basic and polar, with cysteine, which is neutral and slightly polar, at codon 98 of the BCAP31 protein (p.Arg98Cys).